The following is an entry in ClinVar:

NM_002334.4(LRP4):c.3580C>T (p.Arg1194Trp)

Gene: LRP4 (LDL receptor related protein 4; minus strand). Cytogenetic location: 11p11.2.
Variant type: single nucleotide variant.
Coding change: c.3580C>T on transcript NM_002334.4 (MANE Select); coding-DNA position 3580, C replaced by T.
Protein change: p.Arg1194Trp; replaces arginine 1194 with tryptophan.
Molecular consequence: missense variant.
Genome position (GRCh38, 1-based): chr11:46,875,923, G>A on the plus strand (C>T on the coding strand, the complement: LRP4 is on the minus strand). VCF-style: chr11-46875923-G-A. GRCh37 (hg19) VCF-style: chr11-46897474-G-A.
Other names: c.3580C>T (NM_002334.3); short protein forms R1194W.
Identifiers: ClinVar variation 1050917 (VCV001050917.8), dbSNP rs746573834, ClinGen allele CA5969542.
Genomic context (GRCh38, chr11:46,875,923, plus strand): 5'-TGGGCCATCCTAGGTTGTTGTTGATGAGCACCGCGCGGTCTGAGCCATCCATTCCGGACC[G>A]CTCTAACTTGGCATTCTCCCCCCAGTCTGTCCAGTACATAAACCTGAGTGAGGAAGAATA-3'
Protein context (NP_002325.2, residues 1184-1204): TDWGENAKLE[Arg1194Trp]SGMDGSDRAV

ClinVar aggregate classification (germline): Uncertain significance. Review status: criteria provided, multiple submitters, no conflicts (2 of 4 stars). 3 submissions from 3 submitters: Uncertain significance (3). Last evaluated 2025-05-19.

Conditions:
Inborn genetic diseases. Identifiers: MedGen C0950123, MeSH D030342.
Cenani-Lenz syndactyly syndrome. Also called: SYNDACTYLY, TYPE VII; CENANI SYNDACTYLISM. Identifiers: Orphanet 3258, MedGen C1859309, MONDO:0008931, OMIM 212780.
Sclerosteosis 2 (SOST2). Identifiers: Orphanet 3152, MedGen C3280402, MONDO:0013679, OMIM 614305.
Congenital myasthenic syndrome 17. Identifiers: Orphanet 590, MedGen C4225377, MONDO:0014578, OMIM 616304.

Allele frequency attached by ClinVar (database versions not stated): gnomAD 0.00001; ExAC 0.00007; gnomAD exomes 0.00007.
gnomAD v4.1: 17 of 1,613,940 alleles (0.0011%); highest among the groups gnomAD compares: East Asian, 0.027%; no homozygotes.

Submissions (3):

Ambry Genetics
Classification: Uncertain significance for Inborn genetic diseases. Last evaluated: 2025-05-19. Review status: criteria provided, single submitter. Criteria: Ambry Variant Classification Scheme 2023. Collection method: clinical testing. Allele origin: germline.

Fulgent Genetics
Classification: Uncertain significance for Cenani-Lenz syndactyly syndrome; Sclerosteosis 2; Congenital myasthenic syndrome 17. Last evaluated: 2024-05-10. Review status: criteria provided, single submitter. Criteria: ACMG Guidelines, 2015. Collection method: clinical testing. Allele origin: germline.

Labcorp Genetics (formerly Invitae), Labcorp
Classification: Uncertain significance for Cenani-Lenz syndactyly syndrome; Sclerosteosis 2; Congenital myasthenic syndrome 17. Last evaluated: 2022-08-23. Review status: criteria provided, single submitter. Criteria: Invitae Variant Classification Sherloc (09022015). Collection method: clinical testing. Allele origin: germline.
Comment: This sequence change replaces arginine, which is basic and polar, with tryptophan, which is neutral and slightly polar, at codon 1194 of the LRP4 protein (p.Arg1194Trp). This variant is present in population databases (rs746573834, gnomAD 0.1%). This variant has not been reported in the literature in individuals affected with LRP4-related conditions. ClinVar contains an entry for this variant (Variation ID: 1050917). Algorithms developed to predict the effect of missense changes on protein structure and function (SIFT, PolyPhen-2, Align-GVGD) all suggest that this variant is likely to be disruptive. In summary, the available evidence is currently insufficient to determine the role of this variant in disease. Therefore, it has been classified as a Variant of Uncertain Significance.